The following is an entry in ClinVar:

NM_000169.3(GLA):c.548-2A>G

Genes: GLA (galactosidase alpha; minus strand), RPL36A-HNRNPH2 (RPL36A-HNRNPH2 readthrough; plus strand). Cytogenetic location: Xq22.1.
Variant type: single nucleotide variant.
Coding change: c.548-2A>G on transcript NM_000169.3 (MANE Select); the canonical splice acceptor site of the intron before coding-DNA position 548, A replaced by G.
Molecular consequence: splice acceptor variant. On other transcripts: intron variant (2).
Genome position (GRCh38, 1-based): chrX:101,400,759, T>C on the plus strand (A>G on the coding strand, the complement: GLA is on the minus strand). VCF-style: chrX-101400759-T-C. GRCh37 (hg19) VCF-style: chrX-100655747-T-C.
Other names: c.300+5302T>C (NM_001199973.2); c.177+8937T>C (NM_001199974.2); c.671-2A>G (NM_001406747.1); c.548-2A>G (NM_001406748.1).
Identifiers: ClinVar variation 92554 (VCV000092554.12), dbSNP rs398123211, ClinGen allele CA021790.
Genomic context (GRCh38, chrX:101,400,759, plus strand): 5'-ACAGGAGTACACAATGCTTCTGCCAGTCCTATTCAGGGCCAAGGACATGTGCTTATAACC[T>C]GTATGAGAAAACAATGGGTAAAATAAGGGAAAGAAATGAATTTCCAGCTGGGGCTATATA-3'

ClinVar aggregate classification (germline): Pathogenic. Review status: criteria provided, multiple submitters, no conflicts (2 of 4 stars). 4 submissions from 4 submitters: Pathogenic (4). Last evaluated 2026-09-08.

Conditions:
Fabry disease. Also called: Fabry's disease; Angiokeratoma corporis diffusum; ALPHA-GALACTOSIDASE A DEFICIENCY; ANDERSON-FABRY DISEASE; CERAMIDE TRIHEXOSIDASE DEFICIENCY; Ceramide trihexosidosis. Identifiers: Orphanet 324, MedGen C0002986, MONDO:0010526, OMIM 301500, HP:0001071. Disease mechanism: loss of function, Fabry disease is due to inactivating mutations in the X-linked GLA gene resulting in deficiency of the enzyme Alpha Galactosidase-A..

Submissions (4):

Genomenon, Inc
Classification: Pathogenic for Fabry disease. Last evaluated: 2026-09-08. Review status: criteria provided, single submitter. Criteria: Genomenon Sequence Variant Interpretation Standards - Updated. Collection method: curation. Allele origin: germline. Affected: yes.
Comment: GLA c.548-2A>G is a canonical splice variant affecting the acceptor splice site of intron 3. It is predicted to affect mRNA splicing, leading to a deleterious effect on the GLA protein. This variant has been observed in at least one proband with clinical features consistent with Fabry disease (PMID:36140787). The variant was found to segregate with disease in at least one affected family (PMID:36140787). Functional or patient cell studies have been reported (PMID:36140787). It is absent or not present at a significant frequency in gnomAD. In conclusion, we classify GLA c.548-2A>G as a pathogenic variant.

Labcorp Genetics (formerly Invitae), Labcorp
Classification: Pathogenic for Fabry disease. Last evaluated: 2025-04-25. Review status: criteria provided, single submitter. Criteria: Invitae Variant Classification Sherloc (09022015). Collection method: clinical testing. Allele origin: germline.
Comment: This sequence change affects an acceptor splice site in intron 3 of the GLA gene. It is expected to disrupt RNA splicing. Variants that disrupt the donor or acceptor splice site typically lead to a loss of protein function (PMID: 16199547), and loss-of-function variants in GLA are known to be pathogenic (PMID: 10666480, 12175777). This variant is not present in population databases (gnomAD no frequency). Disruption of this splice site has been observed in individual(s) with Fabry disease (PMID: 21333496). This variant is also known as g.8319A>G. ClinVar contains an entry for this variant (Variation ID: 92554). Algorithms developed to predict the effect of sequence changes on RNA splicing suggest that this variant may disrupt the consensus splice site. For these reasons, this variant has been classified as Pathogenic.

Revvity Omics, Revvity
Classification: Pathogenic. Last evaluated: 2019-07-08. Review status: criteria provided, single submitter. Criteria: ACMG Guidelines, 2015. Collection method: clinical testing. Allele origin: germline.

Eurofins Ntd Llc (ga)
Classification: Pathogenic. Last evaluated: 2012-11-01. Review status: criteria provided, single submitter. Criteria: EGL Classification Definitions 2015. Collection method: clinical testing. Allele origin: germline. Observed: 4 variant alleles, 3 heterozygotes, 1 hemizygote.

Literature cited by the submitters: PubMed 36140787 (cited by Genomenon, Inc); PubMed 16199547 (cited by Labcorp Genetics (formerly Invitae), Labcorp); PubMed 10666480 (cited by Labcorp Genetics (formerly Invitae), Labcorp); PubMed 12175777 (cited by Labcorp Genetics (formerly Invitae), Labcorp); PubMed 21333496 (cited by Labcorp Genetics (formerly Invitae), Labcorp).